The following is an entry in ClinVar:

NM_004055.5(CAPN5):c.133C>T (p.Pro45Ser)

Gene: CAPN5 (calpain 5; plus strand). Cytogenetic location: 11q13.5.
Variant type: single nucleotide variant.
Coding change: c.133C>T on transcript NM_004055.5 (MANE Select); coding-DNA position 133, C replaced by T.
Protein change: p.Pro45Ser; replaces proline 45 with serine.
Molecular consequence: missense variant.
Genome position (GRCh38, 1-based): chr11:77,085,019, C>T. VCF-style: chr11-77085019-C-T. GRCh37 (hg19) VCF-style: chr11-76796065-C-T.
Other names: short protein forms P45S.
Identifiers: ClinVar variation 847565 (VCV000847565.9), dbSNP rs576151085, ClinGen allele CA6196126.
Genomic context (GRCh38, chr11:77,085,019, plus strand): 5'-GTGCTCTTCGAGGACCCCCTCTTCCCCGCCACTGACGACTCACTCTACTATAAGGGCACG[C>T]CGGGGCCCGCCGTCAGGTGGAAGCGACCCAAGGTCAGTGTCTGGTCCCAGCTGGAGCTGG-3'
Protein context (NP_004046.2, residues 35-55): TDDSLYYKGT[Pro45Ser]GPAVRWKRPK

ClinVar aggregate classification (germline): Uncertain significance. Review status: criteria provided, multiple submitters, no conflicts (2 of 4 stars). 2 submissions from 2 submitters: Uncertain significance (2). Last evaluated 2024-04-23.

Conditions:
Inborn genetic diseases. Identifiers: MedGen C0950123, MeSH D030342.

Allele frequency attached by ClinVar (database versions not stated): gnomAD exomes below 0.00001 and 0.00002; gnomAD 0.00001; ExAC 0.00003; 1000 Genomes Project 30x 0.00016; 1000 Genomes Project 0.00020.
gnomAD v4.1: 8 of 1,613,570 alleles (0.0005%); highest among the groups gnomAD compares: East Asian, 0.0089%; no homozygotes.

Submissions (2):

Ambry Genetics
Classification: Uncertain significance for Inborn genetic diseases. Last evaluated: 2024-04-23. Review status: criteria provided, single submitter. Criteria: Ambry Variant Classification Scheme 2023. Collection method: clinical testing. Allele origin: germline.

Labcorp Genetics (formerly Invitae), Labcorp
Classification: Uncertain significance. Last evaluated: 2024-02-06. Review status: criteria provided, single submitter. Criteria: Invitae Variant Classification Sherloc (09022015). Collection method: clinical testing. Allele origin: germline.
Comment: This sequence change replaces proline, which is neutral and non-polar, with serine, which is neutral and polar, at codon 45 of the CAPN5 protein (p.Pro45Ser). This variant is present in population databases (rs576151085, gnomAD 0.01%). This variant has not been reported in the literature in individuals affected with CAPN5-related conditions. ClinVar contains an entry for this variant (Variation ID: 847565). Advanced modeling of protein sequence and biophysical properties (such as structural, functional, and spatial information, amino acid conservation, physicochemical variation, residue mobility, and thermodynamic stability) performed at Invitae indicates that this missense variant is not expected to disrupt CAPN5 protein function with a negative predictive value of 80%. In summary, the available evidence is currently insufficient to determine the role of this variant in disease. Therefore, it has been classified as a Variant of Uncertain Significance.